The following is an entry in ClinVar:

NM_001199107.2(TBC1D24):c.162G>A (p.Val54=)

Gene: TBC1D24 (TBC1 domain family member 24; plus strand). Cytogenetic location: 16p13.3.
Variant type: single nucleotide variant.
Coding change: c.162G>A on transcript NM_001199107.2 (MANE Select); coding-DNA position 162, G replaced by A.
Protein change: p.Val54=; no amino-acid change (valine 54 retained).
Molecular consequence: synonymous variant.
Genome position (GRCh38, 1-based): chr16:2,496,310, G>A. VCF-style: chr16-2496310-G-A. GRCh37 (hg19) VCF-style: chr16-2546311-G-A.
Other names: c.162G>A, p.Val54= (NM_020705.3); c.162G>A (NM_001199107.1).
Identifiers: ClinVar variation 2071499 (VCV002071499.13), dbSNP rs200058659, ClinGen allele CA7843937.

ClinVar aggregate classification (germline): Likely benign. Review status: criteria provided, multiple submitters, no conflicts (2 of 4 stars). 3 submissions from 3 submitters: Likely benign (3). Last evaluated 2026-04-09.

Conditions:
TBC1D24-related disorder. Also called: TBC1D24-related condition; TBC1D24-related disorders. Identifiers: MedGen CN381194.
Autosomal dominant nonsyndromic hearing loss 65. Also called: Deafness, autosomal dominant 65; TBC1D24-Related Autosomal Dominant Nonsyndromic Hearing Loss (DFNA). Identifiers: Orphanet 90635, MedGen C3892048, MONDO:0014470, OMIM 616044.
Developmental and epileptic encephalopathy, 1 (DEE1). Also called: X-linked infantile spasms; West's syndrome; Tonic spasms with clustering, arrest of psychomotor development and hypsarrhythmia on EEG; X-Linked Infantile Spasm Syndrome; OHTAHARA SYNDROME, X-LINKED; INFANTILE SPASM SYNDROME, X-LINKED 1. Identifiers: MedGen C3463992, MONDO:0010632, OMIM 308350. Disease mechanism: loss of function.

Allele frequency attached by ClinVar (database versions not stated): gnomAD exomes 0.00001; ExAC 0.00001; gnomAD 0.00001.
gnomAD v4.1: 16 of 1,613,536 alleles (0.00099%); highest among the groups gnomAD compares: Non-Finnish European, 0.0014%; no homozygotes.

Submissions (3):

PreventionGenetics, part of Exact Sciences
Classification: Likely benign for TBC1D24-related condition. Last evaluated: 2026-04-09. Review status: criteria provided, single submitter. Criteria: ACMG Guidelines, 2015. Collection method: clinical testing. Allele origin: germline.
Comment: This variant is classified as likely benign based on ACMG/AMP sequence variant interpretation guidelines (Richards et al. 2015 PMID: 25741868, with internal and published modifications).

CeGaT Center for Human Genetics Tuebingen
Classification: Likely benign. Last evaluated: 2025-08-01. Review status: criteria provided, single submitter. Criteria: CeGaT Center For Human Genetics Tuebingen Variant Classification Criteria Version 2. Collection method: clinical testing. Allele origin: germline. Affected: yes. Observed: 1 variant allele.
Comment: TBC1D24: BP4, BP7

Labcorp Genetics (formerly Invitae), Labcorp
Classification: Likely benign for Developmental and epileptic encephalopathy, 1; Autosomal dominant nonsyndromic hearing loss 65. Last evaluated: 2024-07-31. Review status: criteria provided, single submitter. Criteria: Invitae Variant Classification Sherloc (09022015). Collection method: clinical testing. Allele origin: germline.